The following is an entry in ClinVar:

ClinVar aggregate classification (germline): Uncertain significance (1 of 4 stars; one submission).

Conditions:
Familial cancer of breast. Also called: Hereditary breast cancer; BREAST CANCER, FAMILIAL; hereditary breast carcinoma. Identifiers: Orphanet 227535, MedGen C0346153, MONDO:0016419, OMIM 114480. Disease mechanism: loss of function.

Submission:

Labcorp Genetics (formerly Invitae), Labcorp
Classification: Uncertain significance for Familial cancer of breast. Last evaluated: 2020-08-21. Review status: criteria provided, single submitter. Criteria: Invitae Variant Classification Sherloc (09022015). Collection method: clinical testing. Allele origin: germline.
Comment: In summary, the available evidence is currently insufficient to determine the role of this variant in disease. Therefore, it has been classified as a Variant of Uncertain Significance. Algorithms developed to predict the effect of missense changes on protein structure and function (SIFT, PolyPhen-2, Align-GVGD) all suggest that this variant is likely to be tolerated, but these predictions have not been confirmed by published functional studies and their clinical significance is uncertain. This variant has not been reported in the literature in individuals with PALB2-related conditions. This variant is not present in population databases (ExAC no frequency). This sequence change replaces proline with alanine at codon 358 of the PALB2 protein (p.Pro358Ala). The proline residue is highly conserved and there is a small physicochemical difference between proline and alanine.

NM_024675.4(PALB2):c.1072C>G (p.Pro358Ala)

Gene: PALB2 (partner and localizer of BRCA2; minus strand). Cytogenetic location: 16p12.2.
Variant type: single nucleotide variant.
Coding change: c.1072C>G on transcript NM_024675.4 (MANE Select); coding-DNA position 1072, C replaced by G.
Protein change: p.Pro358Ala; replaces proline 358 with alanine.
Molecular consequence: missense variant.
Genome position (GRCh38, 1-based): chr16:23,635,474, G>C on the plus strand (C>G on the coding strand, the complement: PALB2 is on the minus strand). VCF-style: chr16-23635474-G-C. GRCh37 (hg19) VCF-style: chr16-23646795-G-C.
Other names: short protein forms P358A.
Identifiers: ClinVar variation 1022820 (VCV001022820.9), dbSNP rs876660876, ClinGen allele CA395133997.